The following is an entry in ClinVar:

ClinVar aggregate classification (germline): Benign (1 of 4 stars; one submission).

Conditions:
Primary familial polycythemia due to EPO receptor mutation. Also called: ERYTHROCYTOSIS, SOMATIC; POLYCYTHEMIA, PRIMARY FAMILIAL AND CONGENITAL; Primary Familial Congenital Polycythemia; Erythrocytosis, familial, 1. Identifiers: Orphanet 90042, MedGen C4551637, MONDO:0007572, OMIM 133100.

Allele frequency attached by ClinVar (database versions not stated): ExAC 0.00260; TOPMed 0.00873; gnomAD 0.00914 and 0.00963; 1000 Genomes Project 0.01118; 1000 Genomes Project 30x 0.01187; gnomAD exomes 0.01357.
gnomAD v4.1: 4,528 of 454,078 alleles (1%); highest among the groups gnomAD compares: Admixed American, 4.7%; 73 homozygotes.

Submission:

Illumina Laboratory Services, Illumina
Classification: Benign for Primary familial polycythemia due to EPO receptor mutation. Last evaluated: 2018-01-12. Review status: criteria provided, single submitter. Criteria: ICSL Variant Classification Criteria 13 December 2019. Collection method: clinical testing. Allele origin: germline.
Comment: This variant was observed in the ICSL laboratory as part of a predisposition screen in an ostensibly healthy population. It had not been previously curated by ICSL or reported in the Human Gene Mutation Database (HGMD: prior to June 1st, 2018), and was therefore a candidate for classification through an automated scoring system. Utilizing variant allele frequency, disease prevalence and penetrance estimates, and inheritance mode, an automated score was calculated to assess if this variant is too frequent to cause the disease. Based on the score and internal cut-off values, a variant classified as benign is not then subjected to further curation. The score for this variant resulted in a classification of benign for this disease.

NM_000121.4(EPOR):c.*504G>A

Gene: EPOR (erythropoietin receptor; minus strand). Cytogenetic location: 19p13.2.
Variant type: single nucleotide variant.
Coding change: c.*504G>A on transcript NM_000121.4 (MANE Select); 504 bases downstream of the stop codon, G replaced by A.
Molecular consequence: 3 prime UTR variant. On other transcripts: non-coding transcript variant (1).
Genome position (GRCh38, 1-based): chr19:11,377,480, C>T on the plus strand (G>A on the coding strand, the complement: EPOR is on the minus strand). VCF-style: chr19-11377480-C-T. GRCh37 (hg19) VCF-style: chr19-11488156-C-T.
Identifiers: ClinVar variation 328134 (VCV000328134.5), dbSNP rs150535617, ClinGen allele CA9210440.